The following is an entry in ClinVar:

NM_014112.5(TRPS1):c.2060T>C (p.Ile687Thr)

Gene: TRPS1 (transcriptional repressor GATA binding 1; minus strand). Cytogenetic location: 8q23.3.
Variant type: single nucleotide variant.
Coding change: c.2060T>C on transcript NM_014112.5 (MANE Select); coding-DNA position 2060, T replaced by C.
Protein change: p.Ile687Thr; replaces isoleucine 687 with threonine.
Molecular consequence: missense variant.
Genome position (GRCh38, 1-based): chr8:115,603,909, A>G on the plus strand (T>C on the coding strand, the complement: TRPS1 is on the minus strand). VCF-style: chr8-115603909-A-G. GRCh37 (hg19) VCF-style: chr8-116616136-A-G.
Other names: c.2060T>C (NM_014112.2); c.2033T>C, p.Ile678Thr (NM_001282902.3); c.2039T>C, p.Ile680Thr (NM_001282903.3); c.2021T>C, p.Ile674Thr (NM_001330599.2); short protein forms I687T, I678T, I674T, I680T.
Identifiers: ClinVar variation 501960 (VCV000501960.10), dbSNP rs774019004, ClinGen allele CA4851731.

ClinVar aggregate classification (germline): Uncertain significance. Review status: criteria provided, multiple submitters, no conflicts (2 of 4 stars). 3 submissions from 3 submitters: Uncertain significance (3). Last evaluated 2022-07-17.

Conditions:
Trichorhinophalangeal syndrome, type III (TRPS3). Also called: SUGIO-KAJII SYNDROME. Identifiers: Orphanet 77258, MedGen C1860823, OMIM 190351, MONDO:0008597.
Trichorhinophalangeal dysplasia type I (TRPS1). Also called: TRPS I; TRICHORHINOPHALANGEAL SYNDROME, TYPE I. Identifiers: Orphanet 77258, MedGen C0432233, MONDO:0008596, OMIM 190350.
Inborn genetic diseases. Identifiers: MedGen C0950123, MeSH D030342.

Allele frequency attached by ClinVar (database versions not stated): ExAC 0.00001; gnomAD 0.00001; gnomAD exomes 0.00001 and 0.00003; TOPMed 0.00003.
gnomAD v4.1: 12 of 1,613,850 alleles (0.00074%); highest among the groups gnomAD compares: Admixed American, 0.012%; no homozygotes.

Submissions (3):

Labcorp Genetics (formerly Invitae), Labcorp
Classification: Uncertain significance for Trichorhinophalangeal syndrome, type III; Trichorhinophalangeal dysplasia type I. Last evaluated: 2022-07-17. Review status: criteria provided, single submitter. Criteria: Invitae Variant Classification Sherloc (09022015). Collection method: clinical testing. Allele origin: germline.
Comment: In summary, the available evidence is currently insufficient to determine the role of this variant in disease. Therefore, it has been classified as a Variant of Uncertain Significance. Algorithms developed to predict the effect of missense changes on protein structure and function (SIFT, PolyPhen-2, Align-GVGD) all suggest that this variant is likely to be tolerated. ClinVar contains an entry for this variant (Variation ID: 501960). This variant has not been reported in the literature in individuals affected with TRPS1-related conditions. This variant is present in population databases (rs774019004, gnomAD 0.02%). This sequence change replaces isoleucine, which is neutral and non-polar, with threonine, which is neutral and polar, at codon 687 of the TRPS1 protein (p.Ile687Thr).

Ambry Genetics
Classification: Uncertain significance for Inborn genetic diseases. Last evaluated: 2022-06-28. Review status: criteria provided, single submitter. Criteria: Ambry Variant Classification Scheme 2023. Collection method: clinical testing. Allele origin: germline.

Eurofins Ntd Llc (ga)
Classification: Uncertain significance. Last evaluated: 2017-05-10. Review status: criteria provided, single submitter. Criteria: EGL Classification Definitions 2015. Collection method: clinical testing. Allele origin: germline. Observed: 1 variant allele, 1 heterozygote.